The following is an entry in ClinVar:

ClinVar aggregate classification (germline): Uncertain significance (1 of 4 stars; one submission).

Allele frequency attached by ClinVar (database versions not stated): gnomAD exomes below 0.00001; ExAC 0.00001.
gnomAD v4.1: 7 of 1,613,448 alleles (0.00043%); highest among the groups gnomAD compares: Non-Finnish European, 0.00051%; no homozygotes.

Submission:

Laboratory for Molecular Medicine, Mass General Brigham Personalized Medicine
Classification: Uncertain significance. Last evaluated: 2013-07-18. Review status: criteria provided, single submitter. Criteria: LMM Criteria. Collection method: clinical testing. Allele origin: germline. Observed: 1 variant allele.
Comment: The Lys22775Glu variant in TTN has not been reported in individuals with cardiom yopathy or in large population studies. Computational analyses (biochemical amin o acid properties, conservation, AlignGVGD, PolyPhen2, and SIFT) do not provide strong support for or against an impact to the protein. Additional information i s needed to fully assess the clinical significance of this variant.

NM_001267550.2(TTN):c.76027A>G (p.Lys25343Glu)

Genes: TTN (titin; minus strand), TTN-AS1 (TTN antisense RNA 1; plus strand). Cytogenetic location: 2q31.2.
Variant type: single nucleotide variant.
Coding change: c.76027A>G on transcript NM_001267550.2 (MANE Select); coding-DNA position 76027, A replaced by G.
Protein change: p.Lys25343Glu; replaces lysine 25343 with glutamic acid.
Molecular consequence: missense variant.
Genome position (GRCh38, 1-based): chr2:178,570,105, T>C on the plus strand (A>G on the coding strand, the complement: TTN is on the minus strand). VCF-style: chr2-178570105-T-C. GRCh37 (hg19) VCF-style: chr2-179434832-T-C.
Other names: c.68323A>G, p.Lys22775Glu (NM_133378.4); c.71104A>G, p.Lys23702Glu (NM_001256850.1); c.48832A>G, p.Lys16278Glu (NM_003319.4); c.49207A>G, p.Lys16403Glu (NM_133432.3); c.49408A>G, p.Lys16470Glu (NM_133437.4); short protein forms K22775E, K25343E, K16278E, K16470E, K23702E, K16403E.
Identifiers: ClinVar variation 178996 (VCV000178996.5), dbSNP rs727504596, ClinGen allele CA183453.